The following is an entry in ClinVar:

ClinVar aggregate classification (germline): Uncertain significance (1 of 4 stars; one submission).

Conditions:
Cardiovascular phenotype. Identifiers: MedGen CN230736.

Submission:

Ambry Genetics
Classification: Uncertain significance for Cardiovascular phenotype. Last evaluated: 2024-04-04. Review status: criteria provided, single submitter. Criteria: Ambry Variant Classification Scheme 2023. Collection method: clinical testing. Allele origin: germline.
Comment: The p.K3351T variant (also known as c.10052A>C), located in coding exon 38 of the ANK2 gene, results from an A to C substitution at nucleotide position 10052. The lysine at codon 3351 is replaced by threonine, an amino acid with similar properties. This amino acid position is conserved. In addition, the in silico prediction for this alteration is inconclusive. Based on the available evidence, the clinical significance of this variant remains unclear.

NM_001148.6(ANK2):c.10052A>C (p.Lys3351Thr)

Gene: ANK2 (ankyrin 2; plus strand). Cytogenetic location: 4q26.
Variant type: single nucleotide variant.
Coding change: c.10052A>C on transcript NM_001148.6 (MANE Select); coding-DNA position 10052, A replaced by C.
Protein change: p.Lys3351Thr; replaces lysine 3351 with threonine.
Molecular consequence: missense variant. On other transcripts: intron variant (68).
Genome position (GRCh38, 1-based): chr4:113,358,670, A>C. VCF-style: chr4-113358670-A-C. GRCh37 (hg19) VCF-style: chr4-114279826-A-C.
Other names: c.9818A>C, p.Lys3273Thr (NM_001386142.1); c.6452A>C, p.Lys2151Thr (NM_001386166.1); c.10193A>C, p.Lys3398Thr (NM_001386174.1); c.10169A>C, p.Lys3390Thr (NM_001386175.1); c.4412-2153A>C (NM_001386186.2, NM_001386148.2); c.4214-2153A>C (NM_001354269.3); c.4292-2153A>C (NM_001386187.2); c.4253-2153A>C (NM_001386147.1); and 35 more; short protein forms K3273T, K3390T, K3398T, K2151T, K3351T.
Identifiers: ClinVar variation 3294809 (VCV003294809.1).